The following is an entry in ClinVar:

ClinVar aggregate classification (germline): Conflicting classifications of pathogenicity. Review status: criteria provided, conflicting classifications (1 of 4 stars). 4 submissions from 4 submitters: Uncertain significance (1); Likely benign (2). 1 of the submissions does not count toward it. Last evaluated 2026-03-01.

Conditions:
Cardiovascular phenotype. Identifiers: MedGen CN230736.
Becker muscular dystrophy (BMD). Also called: Becker Muscular Dystrophy (BMD); MUSCULAR DYSTROPHY, PSEUDOHYPERTROPHIC PROGRESSIVE, BECKER TYPE. Identifiers: Orphanet 98895, MedGen C0917713, MONDO:0010311, OMIM 300376.
Cardiomyopathy (CMYO). Also called: Cardiomyopathies. Identifiers: Orphanet 167848, MedGen C0878544, MONDO:0004994, HP:0001638. Inheritance: Various modes of inheritance.
Dystrophin deficiency.
Duchenne muscular dystrophy (DMD). Also called: Duchenne Muscular Dystrophy (DMD); MUSCULAR DYSTROPHY, PSEUDOHYPERTROPHIC PROGRESSIVE, DUCHENNE TYPE. Identifiers: Orphanet 98896, MedGen C0013264, MONDO:0010679, OMIM 310200.

Allele frequency attached by ClinVar (database versions not stated): gnomAD exomes 0.00001 and 0.00002; TOPMed 0.00002; ExAC 0.00003.
gnomAD v4.1: 5 of 1,208,768 alleles (0.00041%); highest among the groups gnomAD compares: Admixed American, 0.011%; no homozygotes.

Submissions (4):

CeGaT Center for Human Genetics Tuebingen
Classification: Likely benign. Last evaluated: 2026-03-01. Review status: criteria provided, single submitter. Criteria: CeGaT Center For Human Genetics Tuebingen Variant Classification Criteria Version 2. Collection method: clinical testing. Allele origin: germline. Affected: yes. Observed: 1 variant allele.
Comment: DMD: BS2

Ambry Genetics
Classification: Uncertain significance for Cardiovascular phenotype. Last evaluated: 2025-04-25. Review status: criteria provided, single submitter. Criteria: Ambry Variant Classification Scheme 2023. Collection method: clinical testing. Allele origin: germline.
Comment: The p.I1225T variant (also known as c.3674T>C), located in coding exon 27 of the DMD gene, results from a T to C substitution at nucleotide position 3674. The isoleucine at codon 1225 is replaced by threonine, an amino acid with similar properties. Based on data from gnomAD, the C allele has an overall frequency of 0.0022% (4/182270) total alleles studied, with 1 hemizygote(s) observed. The highest observed frequency was 0.0146% (4/27360) of Latino alleles. This amino acid position is highly conserved in available vertebrate species. In addition, the in silico prediction for this alteration is inconclusive. Based on the available evidence, the clinical significance of this variant remains unclear.

Labcorp Genetics (formerly Invitae), Labcorp
Classification: Likely benign for Duchenne muscular dystrophy. Last evaluated: 2024-10-14. Review status: criteria provided, single submitter. Criteria: Invitae Variant Classification Sherloc (09022015). Collection method: clinical testing. Allele origin: germline.

Natera, Inc.
Classification: Uncertain significance for Becker muscular dystrophy; Cardiomyopathy; Duchenne muscular dystrophy; Dystrophin deficiency. Last evaluated: 2020-04-15. Review status: no assertion criteria provided. Collection method: clinical testing. Allele origin: germline. Not counted in ClinVar's aggregate classification.

NM_004006.3(DMD):c.3674T>C (p.Ile1225Thr)

Gene: DMD (dystrophin; minus strand). Cytogenetic location: Xp21.1.
Variant type: single nucleotide variant.
Coding change: c.3674T>C on transcript NM_004006.3 (MANE Select); coding-DNA position 3674, T replaced by C.
Protein change: p.Ile1225Thr; replaces isoleucine 1225 with threonine.
Molecular consequence: missense variant.
Genome position (GRCh38, 1-based): chrX:32,448,568, A>G on the plus strand (T>C on the coding strand, the complement: DMD is on the minus strand). VCF-style: chrX-32448568-A-G. GRCh37 (hg19) VCF-style: chrX-32466685-A-G.
Other names: c.3650T>C, p.Ile1217Thr (NM_000109.4); c.3662T>C, p.Ile1221Thr (NM_004009.3); c.3305T>C, p.Ile1102Thr (NM_004010.3); short protein forms I1225T, I1221T, I1217T, I1102T.
Identifiers: ClinVar variation 575836 (VCV000575836.14), dbSNP rs757482211, ClinGen allele CA10379209.